The following is an entry in ClinVar:

ClinVar aggregate classification (germline): Uncertain significance (1 of 4 stars; one submission).

Conditions:
Pheochromocytoma/paraganglioma syndrome 3. Also called: GLOMUS TUMORS, FAMILIAL, 3; Paragangliomas 3; SDHC-Related Hereditary Paraganglioma-Pheochromocytoma Syndrome (Paragangliomas 3); SDHC-Related Hereditary Paraganglioma-Pheochromocytoma Syndrome. Identifiers: Orphanet 29072, MedGen C1854336, MONDO:0011544, OMIM 605373.
Gastrointestinal stromal tumor. Also called: Gastrointestinal stromal tumor, somatic; Gastrointestinal stroma tumor. Identifiers: Orphanet 44890, MedGen C0238198, MeSH D046152, MONDO:0011719, OMIM 606764, HP:0100723.

Submission:

Labcorp Genetics (formerly Invitae), Labcorp
Classification: Uncertain significance for Paragangliomas 3; Gastrointestinal stroma tumor. Last evaluated: 2019-08-16. Review status: criteria provided, single submitter. Criteria: Invitae Variant Classification Sherloc (09022015). Collection method: clinical testing. Allele origin: germline.
Comment: This variant results in a copy number gain of the genomic region encompassing the full coding sequence of the SDHC gene. The boundaries of this event are unknown as they extend beyond the assayed region for this gene and therefore may encompass additional genes. As the precise location of this event is unknown, it may be in tandem or it may be located elsewhere in the genome. This variant has not been reported in the literature in individuals with SDHC-related conditions. In summary, the available evidence is currently insufficient to determine the role of this variant in disease. Therefore, it has been classified as a Variant of Uncertain Significance.

NC_000001.11:g.(?_160816880)_(161362518_?)dup

Genes: PCP4L1 (Purkinje cell protein 4 like 1; plus strand), DEDD (death effector domain containing; minus strand), F11R (F11 receptor; minus strand), ITLN2 (intelectin 2; minus strand), KLHDC9 (kelch domain containing 9; plus strand) and 21 more. Cytogenetic location: 1q23.3.
Variant type: Duplication.
Identifiers: ClinVar variation 830661 (VCV000830661.1).